The following is an entry in ClinVar:

NM_020964.3(EPG5):c.6050-3T>C

Gene: EPG5 (ectopic P-granules 5 autophagy tethering factor; minus strand). Cytogenetic location: 18q12.3.
Variant type: single nucleotide variant.
Coding change: c.6050-3T>C on transcript NM_020964.3 (MANE Select); 3 bases into the intron before coding-DNA position 6050, T replaced by C.
Molecular consequence: intron variant.
Genome position (GRCh38, 1-based): chr18:45,870,745, A>G on the plus strand (T>C on the coding strand, the complement: EPG5 is on the minus strand). VCF-style: chr18-45870745-A-G. GRCh37 (hg19) VCF-style: chr18-43450710-A-G.
Identifiers: ClinVar variation 2417263 (VCV002417263.3), dbSNP rs778407210, ClinGen allele CA8948374.

ClinVar aggregate classification (germline): Uncertain significance (1 of 4 stars; one submission).

Conditions:
Vici syndrome (VICIS). Identifiers: Orphanet 1493, MedGen C1855772, MONDO:0009452, OMIM 242840.

Allele frequency attached by ClinVar (database versions not stated): gnomAD exomes below 0.00001; ExAC 0.00001; gnomAD 0.00003.
gnomAD v4.1: 6 of 1,584,462 alleles (0.00038%); highest among the groups gnomAD compares: African/African-American, 0.0067%; no homozygotes.

Submission:

Labcorp Genetics (formerly Invitae), Labcorp
Classification: Uncertain significance for Vici syndrome. Last evaluated: 2022-01-04. Review status: criteria provided, single submitter. Criteria: Invitae Variant Classification Sherloc (09022015). Collection method: clinical testing. Allele origin: germline.
Comment: This sequence change falls in intron 35 of the EPG5 gene. It does not directly change the encoded amino acid sequence of the EPG5 protein. It affects a nucleotide within the consensus splice site. This variant is present in population databases (rs778407210, gnomAD 0.01%). This variant has not been reported in the literature in individuals affected with EPG5-related conditions. Variants that disrupt the consensus splice site are a relatively common cause of aberrant splicing (PMID: 17576681, 9536098). Algorithms developed to predict the effect of sequence changes on RNA splicing suggest that this variant is not likely to affect RNA splicing. In summary, the available evidence is currently insufficient to determine the role of this variant in disease. Therefore, it has been classified as a Variant of Uncertain Significance.

Literature cited by the submitters: PubMed 17576681; PubMed 9536098.